The following is an entry in ClinVar:

NC_000010.10:g.(?_94381122)_(94381250_?)del

Gene: KIF11 (kinesin family member 11; plus strand). Cytogenetic location: 10q23.33.
Variant type: Deletion.
Identifiers: ClinVar variation 3244968 (VCV003244968.1).

ClinVar aggregate classification (germline): Pathogenic (1 of 4 stars; one submission).

Submission:

Labcorp Genetics (formerly Invitae), Labcorp
Classification: Pathogenic. Last evaluated: 2022-12-07. Review status: criteria provided, single submitter. Criteria: Invitae Variant Classification Sherloc (09022015). Collection method: clinical testing. Allele origin: unknown.
Comment: This variant has not been reported in the literature in individuals affected with KIF11-related conditions. For these reasons, this variant has been classified as Pathogenic. Experimental studies and prediction algorithms are not available or were not evaluated, and the functional significance of this variant is currently unknown. This variant is a gross deletion of the genomic region encompassing exon(s) 10 of the KIF11 gene. This deletion is out-of-frame, and is expected to create a premature termination codon and result in an absent or disrupted protein product. Loss-of-function variants in KIF11 are known to be pathogenic (PMID: 22284827, 24281367).

Literature cited by the submitters: PubMed 22284827; PubMed 24281367.